The following is an entry in ClinVar:

ClinVar aggregate classification (germline): Uncertain significance (1 of 4 stars; one submission).

Submission:

GeneDx
Classification: Uncertain significance. Last evaluated: 2025-04-18. Review status: criteria provided, single submitter. Criteria: GeneDx Variant Classification Process June 2021. Collection method: clinical testing. Allele origin: germline. Affected: yes.
Comment: Not observed at significant frequency in large population cohorts (gnomAD); In silico analysis supports that this missense variant has a deleterious effect on protein structure/function; Has not been previously published as pathogenic or benign to our knowledge

NM_000384.3(APOB):c.8680A>G (p.Asn2894Asp)

Gene: APOB (apolipoprotein B; minus strand). Cytogenetic location: 2p24.1.
Variant type: single nucleotide variant.
Coding change: c.8680A>G on transcript NM_000384.3 (MANE Select); coding-DNA position 8680, A replaced by G.
Protein change: p.Asn2894Asp; replaces asparagine 2894 with aspartic acid.
Molecular consequence: missense variant.
Genome position (GRCh38, 1-based): chr2:21,008,188, T>C on the plus strand (A>G on the coding strand, the complement: APOB is on the minus strand). VCF-style: chr2-21008188-T-C. GRCh37 (hg19) VCF-style: chr2-21231060-T-C.
Other names: short protein forms N2894D.
Identifiers: ClinVar variation 4282314 (VCV004282314.1).